The following is an entry in ClinVar:

NM_206933.4(USH2A):c.3041G>C (p.Cys1014Ser)

Genes: USH2A (usherin; minus strand), USH2A-AS1 (USH2A antisense RNA 1; plus strand). Cytogenetic location: 1q41.
Variant type: single nucleotide variant.
Coding change: c.3041G>C on transcript NM_206933.4 (MANE Select); coding-DNA position 3041, G replaced by C.
Protein change: p.Cys1014Ser; replaces cysteine 1014 with serine.
Molecular consequence: missense variant.
Genome position (GRCh38, 1-based): chr1:216,217,503, C>G on the plus strand (G>C on the coding strand, the complement: USH2A is on the minus strand). VCF-style: chr1-216217503-C-G. GRCh37 (hg19) VCF-style: chr1-216390845-C-G.
Other names: c.3041G>C, p.Cys1014Ser (NM_007123.6); short protein forms C1014S.
Identifiers: ClinVar variation 1440659 (VCV001440659.3), dbSNP rs760117356, ClinGen allele CA1396095.

ClinVar aggregate classification (germline): Uncertain significance (1 of 4 stars; one submission).

Allele frequency attached by ClinVar (database versions not stated): gnomAD exomes below 0.00001; TOPMed below 0.00001; ExAC 0.00001; gnomAD 0.00001.
gnomAD v4.1: 3 of 1,613,118 alleles (0.00019%); highest among the groups gnomAD compares: Admixed American, 0.0017%; no homozygotes.

Submission:

Labcorp Genetics (formerly Invitae), Labcorp
Classification: Uncertain significance. Last evaluated: 2021-11-15. Review status: criteria provided, single submitter. Criteria: Invitae Variant Classification Sherloc (09022015). Collection method: clinical testing. Allele origin: germline.
Comment: This sequence change replaces cysteine, which is neutral and slightly polar, with serine, which is neutral and polar, at codon 1014 of the USH2A protein (p.Cys1014Ser). This variant is present in population databases (rs760117356, gnomAD 0.003%). This variant has not been reported in the literature in individuals affected with USH2A-related conditions. Algorithms developed to predict the effect of missense changes on protein structure and function are either unavailable or do not agree on the potential impact of this missense change (SIFT: "Deleterious"; PolyPhen-2: "Probably Damaging"; Align-GVGD: "Class C0"). In summary, the available evidence is currently insufficient to determine the role of this variant in disease. Therefore, it has been classified as a Variant of Uncertain Significance.